The following is an entry in ClinVar:

ClinVar aggregate classification (germline): Uncertain significance (0 of 4 stars; one submission).

Submission:

Department of Pathology and Laboratory Medicine, Sinai Health System
Classification: Uncertain significance. Review status: no assertion criteria provided. Collection method: clinical testing. Allele origin: unknown. Affected: yes. Study: The Canadian Open Genetics Repository (COGR).
Comment: The NIPA1 p.M171V variant was not identified in the literature nor was it identified in ClinVar. The variant was identified in dbSNP (ID: rs762651676) and in control databases in 1 of 247060 chromosomes at a frequency of 0.000004048 (Genome Aggregation Database March 6, 2019, v2.1.1). The p.M171 residue is conserved in mammals and computational analyses (MUT Assesor, PolyPhen-2, SIFT, MutationTaster, Revel, FATHMM, MetaLR, DANN) have limited predictions regarding the impact to the protein. The variant occurs outside of the splicing consensus sequence and in silico or computational prediction software programs (Splice AI exome) do not predict a deleterious effect on splicing. In summary, based on the above information the clinical significance of this variant cannot be determined with certainty at this time. This variant is classified as a variant of uncertain significance.

NM_144599.5(NIPA1):c.511A>G (p.Met171Val)

Gene: NIPA1 (NIPA magnesium transporter 1; plus strand). Cytogenetic location: 15q11.2.
Variant type: single nucleotide variant.
Coding change: c.511A>G on transcript NM_144599.5 (MANE Select); coding-DNA position 511, A replaced by G.
Protein change: p.Met171Val; replaces methionine 171 with valine.
Molecular consequence: missense variant.
Genome position (GRCh38, 1-based): chr15:22,823,760, A>G. VCF-style: chr15-22823760-A-G. GRCh37 (hg19) VCF-style: chr15-23049308-T-C.
Other names: c.286A>G, p.Met96Val (NM_001142275.1); short protein forms M171V, M96V.
Identifiers: ClinVar variation 1049060 (VCV001049060.1), dbSNP rs762651676, ClinGen allele CA7426053.